The following is an entry in ClinVar:

ClinVar aggregate classification (germline): Uncertain significance (1 of 4 stars; one submission).

Allele frequency attached by ClinVar (database versions not stated): TOPMed below 0.00001; gnomAD 0.00001.
gnomAD v4.1: 1 of 1,602,222 alleles (0.000062%); highest among the groups gnomAD compares: Admixed American, 0.0017%; no homozygotes.

Submission:

Labcorp Genetics (formerly Invitae), Labcorp
Classification: Uncertain significance. Last evaluated: 2022-04-15. Review status: criteria provided, single submitter. Criteria: Invitae Variant Classification Sherloc (09022015). Collection method: clinical testing. Allele origin: germline.
Comment: This variant has not been reported in the literature in individuals affected with ADGRV1-related conditions. In summary, the available evidence is currently insufficient to determine the role of this variant in disease. Therefore, it has been classified as a Variant of Uncertain Significance. Algorithms developed to predict the effect of missense changes on protein structure and function output the following: SIFT: "Tolerated"; PolyPhen-2: "Possibly Damaging"; Align-GVGD: "Class C0". The arginine amino acid residue is found in multiple mammalian species, which suggests that this missense change does not adversely affect protein function. This variant is not present in population databases (gnomAD no frequency). This sequence change replaces serine, which is neutral and polar, with arginine, which is basic and polar, at codon 5541 of the ADGRV1 protein (p.Ser5541Arg).

NM_032119.4(ADGRV1):c.16623T>A (p.Ser5541Arg)

Gene: ADGRV1 (adhesion G protein-coupled receptor V1; plus strand). Cytogenetic location: 5q14.3.
Variant type: single nucleotide variant.
Coding change: c.16623T>A on transcript NM_032119.4 (MANE Select); coding-DNA position 16623, T replaced by A.
Protein change: p.Ser5541Arg; replaces serine 5541 with arginine.
Molecular consequence: missense variant. On other transcripts: non-coding transcript variant (1).
Genome position (GRCh38, 1-based): chr5:90,840,589, T>A. VCF-style: chr5-90840589-T-A. GRCh37 (hg19) VCF-style: chr5-90136406-T-A.
Other names: short protein forms S5541R.
Identifiers: ClinVar variation 1964988 (VCV001964988.4), dbSNP rs1318018080, ClinGen allele CA360428168.
Genomic context (GRCh38, chr5:90,840,589, plus strand): 5'-AGATCAGAGGTGTCATAGATTCACTTAAATGGTGTTGTTTAATTTCTAGGAGTTGAGGAG[T>A]GCTGAAACAATTGGTCGTACCATCATATCTCCAGCTATTTCTGGAAAGGATTTTGTGATA-3'
Protein context (NP_115495.3, residues 5531-5551): SVNFSTQELR[Ser5541Arg]AETIGRTIIS